The following is an entry in ClinVar:

ClinVar aggregate classification (germline): Uncertain significance (1 of 4 stars; one submission).

Conditions:
Xanthinuria type II. Also called: Xanthine dehydrogenase and aldehyde oxidase combined deficiency of; XDH and AOX dual deficiency. Identifiers: Orphanet 3467, Orphanet 93602, MedGen C1863688, MONDO:0011346, OMIM 603592.

Allele frequency attached by ClinVar (database versions not stated): gnomAD exomes 0.00001.
gnomAD v4.1: 10 of 1,614,180 alleles (0.00062%); highest among the groups gnomAD compares: Non-Finnish European, 0.00085%; no homozygotes.

Submission:

Labcorp Genetics (formerly Invitae), Labcorp
Classification: Uncertain significance for Xanthinuria type II. Last evaluated: 2022-03-27. Review status: criteria provided, single submitter. Criteria: Invitae Variant Classification Sherloc (09022015). Collection method: clinical testing. Allele origin: germline.
Comment: Algorithms developed to predict the effect of missense changes on protein structure and function are either unavailable or do not agree on the potential impact of this missense change (SIFT: "Deleterious"; PolyPhen-2: "Probably Damaging"; Align-GVGD: "Class C15"). This variant has not been reported in the literature in individuals affected with MOCOS-related conditions. In summary, the available evidence is currently insufficient to determine the role of this variant in disease. Therefore, it has been classified as a Variant of Uncertain Significance. This sequence change replaces serine, which is neutral and polar, with phenylalanine, which is neutral and non-polar, at codon 732 of the MOCOS protein (p.Ser732Phe). This variant is not present in population databases (gnomAD no frequency).

NM_017947.4(MOCOS):c.2195C>T (p.Ser732Phe)

Gene: MOCOS (molybdenum cofactor sulfurase; plus strand). Cytogenetic location: 18q12.2.
Variant type: single nucleotide variant.
Coding change: c.2195C>T on transcript NM_017947.4 (MANE Select); coding-DNA position 2195, C replaced by T.
Protein change: p.Ser732Phe; replaces serine 732 with phenylalanine.
Molecular consequence: missense variant.
Genome position (GRCh38, 1-based): chr18:36,256,998, C>T. VCF-style: chr18-36256998-C-T. GRCh37 (hg19) VCF-style: chr18-33836961-C-T.
Other names: short protein forms S732F.
Identifiers: ClinVar variation 1973349 (VCV001973349.5), dbSNP rs2091644110, ClinGen allele CA402290721.